The following is an entry in ClinVar:

NM_006922.4(SCN3A):c.5797A>T (p.Lys1933Ter)

Gene: SCN3A (sodium voltage-gated channel alpha subunit 3; minus strand). Cytogenetic location: 2q24.3.
Variant type: single nucleotide variant.
Coding change: c.5797A>T on transcript NM_006922.4 (MANE Select); coding-DNA position 5797, A replaced by T.
Protein change: p.Lys1933Ter; replaces lysine 1933 with a stop codon.
Molecular consequence: nonsense.
Genome position (GRCh38, 1-based): chr2:165,090,356, T>A on the plus strand (A>T on the coding strand, the complement: SCN3A is on the minus strand). VCF-style: chr2-165090356-T-A. GRCh37 (hg19) VCF-style: chr2-165946866-T-A.
Other names: c.5650A>T, p.Lys1884Ter (NM_001081676.2, NM_001081677.2); short protein forms K1933*, K1884*.
Identifiers: ClinVar variation 2057683 (VCV002057683.4), dbSNP rs1685024495, ClinGen allele CA349009603.
Genomic context (GRCh38, chr2:165,090,356, plus strand): 5'-AGTTCCCATTTAGTTTGTCAATAATCATGTCTTGTTTTATAGGTAAGTCAATCCTCCCTT[T>A]AATTGCCTCTTTGTTATAGTTACTTGATATATTTTTTAACCTTTGCTTTAAAAGATAACA-3'

ClinVar aggregate classification (germline): Uncertain significance (1 of 4 stars; one submission).

Submission:

Labcorp Genetics (formerly Invitae), Labcorp
Classification: Uncertain significance. Last evaluated: 2022-08-16. Review status: criteria provided, single submitter. Criteria: Invitae Variant Classification Sherloc (09022015). Collection method: clinical testing. Allele origin: germline.
Comment: This sequence change creates a premature translational stop signal (p.Lys1933*) in the SCN3A gene. While this is not anticipated to result in nonsense mediated decay, it is expected to disrupt the last 68 amino acid(s) of the SCN3A protein. This variant has not been reported in the literature in individuals affected with SCN3A-related conditions. This variant is not present in population databases (gnomAD no frequency). In summary, the available evidence is currently insufficient to determine the role of this variant in disease. Therefore, it has been classified as a Variant of Uncertain Significance.